The following is an entry in ClinVar:

NM_012120.3(CD2AP):c.916G>A (p.Ala306Thr)

Gene: CD2AP (CD2 associated protein; plus strand). Cytogenetic location: 6p12.3.
Variant type: single nucleotide variant.
Coding change: c.916G>A on transcript NM_012120.3 (MANE Select); coding-DNA position 916, G replaced by A.
Protein change: p.Ala306Thr; replaces alanine 306 with threonine.
Molecular consequence: missense variant.
Genome position (GRCh38, 1-based): chr6:47,579,397, G>A. VCF-style: chr6-47579397-G-A. GRCh37 (hg19) VCF-style: chr6-47547133-G-A.
Other names: short protein forms A306T.
Identifiers: ClinVar variation 2795972 (VCV002795972.3), dbSNP rs2481291492, ClinGen allele CA363943598.

ClinVar aggregate classification (germline): Uncertain significance (1 of 4 stars; one submission).

Allele frequency attached by ClinVar (database versions not stated): gnomAD exomes below 0.00001.
gnomAD v4.1: 2 of 1,607,556 alleles (0.00012%); highest among the groups gnomAD compares: Non-Finnish European, 0.00017%; no homozygotes.

Submission:

Labcorp Genetics (formerly Invitae), Labcorp
Classification: Uncertain significance. Last evaluated: 2023-04-22. Review status: criteria provided, single submitter. Criteria: Invitae Variant Classification Sherloc (09022015). Collection method: clinical testing. Allele origin: germline.
Comment: This variant is not present in population databases (gnomAD no frequency). This sequence change replaces alanine, which is neutral and non-polar, with threonine, which is neutral and polar, at codon 306 of the CD2AP protein (p.Ala306Thr). This variant has not been reported in the literature in individuals affected with CD2AP-related conditions. In summary, the available evidence is currently insufficient to determine the role of this variant in disease. Therefore, it has been classified as a Variant of Uncertain Significance. Advanced modeling of protein sequence and biophysical properties (such as structural, functional, and spatial information, amino acid conservation, physicochemical variation, residue mobility, and thermodynamic stability) performed at Invitae indicates that this missense variant is not expected to disrupt CD2AP protein function.